The following is an entry in ClinVar:

NM_006531.5(IFT88):c.1213G>A (p.Val405Met)

Gene: IFT88 (intraflagellar transport 88; plus strand). Cytogenetic location: 13q12.11.
Variant type: single nucleotide variant.
Coding change: c.1213G>A on transcript NM_006531.5 (MANE Select); coding-DNA position 1213, G replaced by A.
Protein change: p.Val405Met; replaces valine 405 with methionine.
Molecular consequence: missense variant. On other transcripts: non-coding transcript variant (5).
Genome position (GRCh38, 1-based): chr13:20,625,763, G>A. VCF-style: chr13-20625763-G-A. GRCh37 (hg19) VCF-style: chr13-21199902-G-A.
Other names: c.1156G>A, p.Val386Met (NM_001318491.2, NM_001353575.2); c.1240G>A, p.Val414Met (NM_001318493.2, NM_001353565.2, NM_001353566.2 and 2 more transcripts); c.1213G>A, p.Val405Met (NM_001353568.2, NM_001353572.2); c.1138G>A, p.Val380Met (NM_001353569.2, NM_001353570.2, NM_001353576.2 and 1 more transcripts); c.1111G>A, p.Val371Met (NM_001353571.2, NM_001353578.2); c.1069G>A, p.Val357Met (NM_001353573.2); c.1054G>A, p.Val352Met (NM_001353574.2); c.580G>A, p.Val194Met (NM_001353579.2); short protein forms V194M, V352M, V357M, V371M, V380M, V386M, V405M, V414M.
Identifiers: ClinVar variation 3627549 (VCV003627549.2).

ClinVar aggregate classification (germline): Uncertain significance (1 of 4 stars; one submission).

gnomAD v4.1: 4 of 1,602,594 alleles (0.00025%); highest among the groups gnomAD compares: African/African-American, 0.0054%; no homozygotes.

Submission:

Labcorp Genetics (formerly Invitae), Labcorp
Classification: Uncertain significance. Last evaluated: 2024-07-15. Review status: criteria provided, single submitter. Criteria: Invitae Variant Classification Sherloc (09022015). Collection method: clinical testing. Allele origin: germline.
Comment: This sequence change replaces valine, which is neutral and non-polar, with methionine, which is neutral and non-polar, at codon 414 of the IFT88 protein (p.Val414Met). The frequency data for this variant in the population databases is considered unreliable, as metrics indicate poor data quality at this position in the gnomAD database. This variant has not been reported in the literature in individuals affected with IFT88-related conditions. An algorithm developed to predict the effect of missense changes on protein structure and function (PolyPhen-2) suggests that this variant is likely to be disruptive. In summary, the available evidence is currently insufficient to determine the role of this variant in disease. Therefore, it has been classified as a Variant of Uncertain Significance.